The following is an entry in ClinVar:

NM_001927.4(DES):c.1157G>A (p.Arg386His)

Gene: DES (desmin; plus strand). Cytogenetic location: 2q35.
Variant type: single nucleotide variant.
Coding change: c.1157G>A on transcript NM_001927.4 (MANE Select); coding-DNA position 1157, G replaced by A.
Protein change: p.Arg386His; replaces arginine 386 with histidine.
Molecular consequence: missense variant. On other transcripts: intron variant (1).
Genome position (GRCh38, 1-based): chr2:219,421,473, G>A. VCF-style: chr2-219421473-G-A. GRCh37 (hg19) VCF-style: chr2-220286195-G-A.
Other names: c.1154G>A, p.Arg385His (NM_001382708.1); c.1088G>A, p.Arg363His (NM_001382710.1); c.1136G>A, p.Arg379His (NM_001382711.1); c.1157G>A, p.Arg386His (NM_001382712.1); c.887G>A, p.Arg296His (NM_001382713.1); c.736-11G>A (NM_001382709.1); short protein forms R296H, R363H, R379H, R385H, R386H.
Identifiers: ClinVar variation 1284539 (VCV001284539.8), dbSNP rs1029457073, ClinGen allele CA65983597.

ClinVar aggregate classification (germline): Uncertain significance. Review status: criteria provided, multiple submitters, no conflicts (2 of 4 stars). 4 submissions from 4 submitters: Uncertain significance (2). 2 of the submissions do not count toward it. Last evaluated 2025-06-23.

Conditions:
Cardiovascular phenotype. Identifiers: MedGen CN230736.
Desmin-related myofibrillar myopathy (MFM1). Also called: Desminopathy; Desmin related myopathy (former name); Desmin storage myopathy (former name); Myofibrillar myopathy 1; MYOFIBRILLAR MYOPATHY WITH ARRHYTHMOGENIC RIGHT VENTRICULAR CARDIOMYOPATHY; DESMIN-RELATED MYOPATHY WITH ARRHYTHMOGENIC RIGHT VENTRICULAR CARDIOMYOPATHY. Identifiers: Orphanet 363543, Orphanet 98909, MedGen C1832370, MONDO:0011076, OMIM 601419.

Allele frequency attached by ClinVar (database versions not stated): gnomAD exomes below 0.00001 and 0.00001; TOPMed below 0.00001.
gnomAD v4.1: 10 of 1,614,148 alleles (0.00062%); highest among the groups gnomAD compares: South Asian, 0.0022%; no homozygotes.

Submissions (4):

Labcorp Genetics (formerly Invitae), Labcorp
Classification: Uncertain significance for Desmin-related myofibrillar myopathy. Last evaluated: 2025-06-23. Review status: criteria provided, single submitter. Criteria: Invitae Variant Classification Sherloc (09022015). Collection method: clinical testing. Allele origin: germline.
Comment: This sequence change replaces arginine, which is basic and polar, with histidine, which is basic and polar, at codon 386 of the DES protein (p.Arg386His). This variant is present in population databases (no rsID available, gnomAD no frequency). This missense change has been observed in individual(s) with dilated cardiomyopathy and/or rhabdomyolysis and hyperCKaemia (PMID: 26458567, 31127727). ClinVar contains an entry for this variant (Variation ID: 1284539). Invitae Evidence Modeling of protein sequence and biophysical properties (such as structural, functional, and spatial information, amino acid conservation, physicochemical variation, residue mobility, and thermodynamic stability) has been performed for this missense variant. However, the output from this modeling did not meet the statistical confidence thresholds required to predict the impact of this variant on DES protein function. In summary, the available evidence is currently insufficient to determine the role of this variant in disease. Therefore, it has been classified as a Variant of Uncertain Significance.

Ambry Genetics
Classification: Uncertain significance for Cardiovascular phenotype. Last evaluated: 2023-12-06. Review status: criteria provided, single submitter. Criteria: Ambry Variant Classification Scheme 2023. Collection method: clinical testing. Allele origin: germline.
Comment: The p.R386H variant (also known as c.1157G>A), located in coding exon 6 of the DES gene, results from a G to A substitution at nucleotide position 1157. The arginine at codon 386 is replaced by histidine, an amino acid with highly similar properties. This alteration has been reported in a dilated cardiomyopathy (DCM) cohort and in an individual with muscle weakness and cardiac involvement (Zhao Y et al. Int J Mol Med, 2015 Dec;36:1479-86; Westra D et al. J Neuromuscul Dis, 2019;6:241-258). This amino acid position is highly conserved in available vertebrate species. In addition, this alteration is predicted to be deleterious by in silico analysis. Since supporting evidence is limited at this time, the clinical significance of this alteration remains unclear.

Clinical Genetics, Academic Medical Center
Classification: Uncertain significance. Review status: no assertion criteria provided. Collection method: clinical testing. Allele origin: germline. Affected: yes. Study: VKGL Data-share Consensus. Not counted in ClinVar's aggregate classification.

Joint Genome Diagnostic Labs from Nijmegen and Maastricht, Radboudumc and MUMC+
Classification: Uncertain significance. Review status: no assertion criteria provided. Collection method: clinical testing. Allele origin: germline. Affected: yes. Study: VKGL Data-share Consensus. Not counted in ClinVar's aggregate classification.

Literature cited by the submitters: PubMed 26458567 (cited by Labcorp Genetics (formerly Invitae), Labcorp and Ambry Genetics); PubMed 31127727 (cited by Labcorp Genetics (formerly Invitae), Labcorp and Ambry Genetics).